The following is an entry in ClinVar:

NM_015909.4(NBAS):c.656C>G (p.Thr219Arg)

Gene: NBAS (NBAS subunit of NRZ tethering complex; minus strand). Cytogenetic location: 2p24.3.
Variant type: single nucleotide variant.
Coding change: c.656C>G on transcript NM_015909.4 (MANE Select); coding-DNA position 656, C replaced by G.
Protein change: p.Thr219Arg; replaces threonine 219 with arginine.
Molecular consequence: missense variant. On other transcripts: non-coding transcript variant (1).
Genome position (GRCh38, 1-based): chr2:15,534,633, G>C on the plus strand (C>G on the coding strand, the complement: NBAS is on the minus strand). VCF-style: chr2-15534633-G-C. GRCh37 (hg19) VCF-style: chr2-15674757-G-C.
Other names: short protein forms T219R.
Identifiers: ClinVar variation 786728 (VCV000786728.11), dbSNP rs145341282, ClinGen allele CA1536951.
Genomic context (GRCh38, chr2:15,534,633, plus strand): 5'-ATTCCATGAGGATAATGACTACTGAAGCTGAAACAGTGACTTTCTTGGTAGCTCTGATTT[G>C]TTCCAACACTAAATTTAAGAGGGTATGAAAGAAGTAAATACCATTAAACCACAATGAATA-3'
Protein context (NP_056993.2, residues 209-229): ELRSYLVSVG[Thr219Arg]NQSYQESHCF

ClinVar aggregate classification (germline): Likely benign. Review status: criteria provided, multiple submitters, no conflicts (2 of 4 stars). 2 submissions from 2 submitters: Likely benign (2). Last evaluated 2026-07-09.

Conditions:
NBAS-related disorder. Also called: NBAS-related condition.

Allele frequency attached by ClinVar (database versions not stated): ESP Exome Variant Server 0.00008; TOPMed 0.00014; gnomAD 0.00017 and 0.00028; gnomAD exomes 0.00036 and 0.00052; ExAC 0.00059; 1000 Genomes Project 30x 0.00094; 1000 Genomes Project 0.00120.
gnomAD v4.1: 564 of 1,612,102 alleles (0.035%); highest among the groups gnomAD compares: East Asian, 0.89%; 3 homozygotes.

Submissions (2):

PreventionGenetics, part of Exact Sciences
Classification: Likely benign for NBAS-related condition. Last evaluated: 2026-07-09. Review status: criteria provided, single submitter. Criteria: ACMG Guidelines, 2015. Collection method: clinical testing. Allele origin: germline.
Comment: This variant is classified as likely benign based on ACMG/AMP sequence variant interpretation guidelines (Richards et al. 2015 PMID: 25741868, with internal and published modifications).

Labcorp Genetics (formerly Invitae), Labcorp
Classification: Likely benign. Last evaluated: 2026-02-02. Review status: criteria provided, single submitter. Criteria: Invitae Variant Classification Sherloc (09022015). Collection method: clinical testing. Allele origin: germline.